The following is an entry in ClinVar:

ClinVar aggregate classification (germline): Uncertain significance (1 of 4 stars; one submission).

gnomAD v4.1: 2 of 1,613,936 alleles (0.00012%); highest among the groups gnomAD compares: Non-Finnish European, 0.00017%; no homozygotes.

Submission:

GeneDx
Classification: Uncertain significance. Last evaluated: 2026-09-17. Review status: criteria provided, single submitter. Criteria: GeneDx Variant Classification Process June 2021. Collection method: clinical testing. Allele origin: germline.
Comment: Nonsense variant predicted to result in protein truncation or nonsense mediated decay in a gene or region of a gene for which loss of function is not a well-established mechanism of disease; Has not been previously published as pathogenic or benign to our knowledge

NM_144973.4(DENND5B):c.523C>T (p.Arg175Ter)

Gene: DENND5B (DENN domain containing 5B; minus strand). Cytogenetic location: 12p11.21.
Variant type: single nucleotide variant.
Coding change: c.523C>T on transcript NM_144973.4 (MANE Select); coding-DNA position 523, C replaced by T.
Protein change: p.Arg175Ter; replaces arginine 175 with a stop codon.
Molecular consequence: nonsense. On other transcripts: intron variant (1).
Genome position (GRCh38, 1-based): chr12:31,479,970, G>A on the plus strand (C>T on the coding strand, the complement: DENND5B is on the minus strand). VCF-style: chr12-31479970-G-A. GRCh37 (hg19) VCF-style: chr12-31632904-G-A.
Other names: c.628C>T, p.Arg210Ter (NM_001308339.2); c.589C>T, p.Arg197Ter (NM_001366890.1, NM_001366893.1); c.523C>T, p.Arg175Ter (NM_001366892.1); c.373+150C>T (NM_001366891.1); short protein forms R175*, R197*, R210*.
Identifiers: ClinVar variation 4539914 (VCV004539914.2).